The following is an entry in ClinVar:

NM_020975.6(RET):c.40_41insGGTTGC (p.Leu13_Leu14insArgLeu)

Gene: RET (ret proto-oncogene; plus strand). Cytogenetic location: 10q11.21.
Variant type: Insertion.
Coding change: c.40_41insGGTTGC on transcript NM_020975.6 (MANE Select); coding-DNA positions 40 to 41, GGTTGC inserted.
Protein change: p.Leu13_Leu14insArgLeu.
Molecular consequence: inframe insertion. On other transcripts: inframe indel (41).
Genome position: GRCh38 VCF-style: chr10-43077295-C-CTGCGGT. GRCh37 (hg19) VCF-style: chr10-43572743-C-CTGCGGT.
Other names: c.40_41insGGTTGC, p.Leu13_Leu14insArgLeu (NM_000323.2, NM_001406743.1, NM_001406744.1 and 38 more transcripts).
Identifiers: ClinVar variation 943957 (VCV000943957.11), dbSNP rs1157129061, ClinGen allele CA665362619.

ClinVar aggregate classification (germline): Uncertain significance. Review status: criteria provided, multiple submitters, no conflicts (2 of 4 stars). 2 submissions from 2 submitters: Uncertain significance (2). Last evaluated 2025-12-04.

Conditions:
Multiple endocrine neoplasia, type 2 (MEN2). Identifiers: Orphanet 653, MedGen C4048306, MONDO:0019003. Disease mechanism: gain of function.
Hereditary cancer-predisposing syndrome. Also called: Neoplastic Syndromes, Hereditary; Hereditary Cancer Syndrome; Tumor predisposition; Hereditary neoplastic syndrome. Identifiers: Orphanet 140162, MedGen C0027672, MeSH D009386, MONDO:0015356.

Submissions (2):

Ambry Genetics
Classification: Uncertain significance for Hereditary cancer-predisposing syndrome. Last evaluated: 2025-12-04. Review status: criteria provided, single submitter. Criteria: Ambry Variant Classification Scheme 2023. Collection method: clinical testing. Allele origin: germline.
Comment: The c.40_41insGGTTGC variant (also known as p.R12_L13dup), located in coding exon 1 of the RET gene, results from an in-frame GGTTGC insertion at nucleotide positions 40 to 41. This results in the duplication of two residues between codons 12 and 13. This amino acid region is well conserved in available vertebrate species. In addition, this variant is predicted to be neutral by in silico analysis (Choi Y et al. PLoS ONE. 2012; 7(10):e46688). Based on the available evidence, the clinical significance of this variant remains unclear.

Labcorp Genetics (formerly Invitae), Labcorp
Classification: Uncertain significance for Multiple endocrine neoplasia, type 2. Last evaluated: 2025-11-10. Review status: criteria provided, single submitter. Criteria: Invitae Variant Classification Sherloc (09022015). Collection method: clinical testing. Allele origin: germline.
Comment: This variant, c.40_41insGGTTGC, results in the insertion of 2 amino acid(s) of the RET protein (p.Arg12_Leu13dup), but otherwise preserves the integrity of the reading frame. This variant is not present in population databases (gnomAD no frequency). This variant has not been reported in the literature in individuals affected with RET-related conditions. ClinVar contains an entry for this variant (Variation ID: 943957). Experimental studies and prediction algorithms are not available or were not evaluated, and the functional significance of this variant is currently unknown. In summary, the available evidence is currently insufficient to determine the role of this variant in disease. Therefore, it has been classified as a Variant of Uncertain Significance.